The following is an entry in ClinVar:

NM_020166.5(MCCC1):c.134C>T (p.Thr45Ile)

Gene: MCCC1 (methylcrotonyl-CoA carboxylase subunit 1; minus strand). Cytogenetic location: 3q27.1.
Variant type: single nucleotide variant.
Coding change: c.134C>T on transcript NM_020166.5 (MANE Select); coding-DNA position 134, C replaced by T.
Protein change: p.Thr45Ile; replaces threonine 45 with isoleucine.
Molecular consequence: missense variant. On other transcripts: synonymous variant (1), 5 prime UTR variant (1), non-coding transcript variant (2).
Genome position (GRCh38, 1-based): chr3:183,094,561, G>A on the plus strand (C>T on the coding strand, the complement: MCCC1 is on the minus strand). VCF-style: chr3-183094561-G-A. GRCh37 (hg19) VCF-style: chr3-182812349-G-A.
Other names: c.42C>T, p.His14= (NM_001293273.2); c.-57C>T (NM_001363880.1); short protein forms T45I.
Identifiers: ClinVar variation 1367347 (VCV001367347.8), dbSNP rs1410294013, ClinGen allele CA355322361.

ClinVar aggregate classification (germline): Uncertain significance (1 of 4 stars; one submission).

Conditions:
3-methylcrotonyl-CoA carboxylase 1 deficiency (MCC1D). Also called: MCCD TYPE 1; METHYLCROTONYLGLYCINURIA TYPE I; MCC 1 deficiency; 3 Alpha methylcrotonylglycinuria 1. Identifiers: Orphanet 6, MedGen CN028786, MONDO:0008861, OMIM 210200.

Allele frequency attached by ClinVar (database versions not stated): gnomAD 0.00001; TOPMed 0.00001.
gnomAD v4.1: 1 of 1,613,968 alleles (0.000062%); highest among the groups gnomAD compares: African/African-American, 0.0013%; no homozygotes.

Submission:

Labcorp Genetics (formerly Invitae), Labcorp
Classification: Uncertain significance for 3-methylcrotonyl-CoA carboxylase 1 deficiency. Last evaluated: 2021-06-01. Review status: criteria provided, single submitter. Criteria: Invitae Variant Classification Sherloc (09022015). Collection method: clinical testing. Allele origin: germline.
Comment: This sequence change replaces threonine with isoleucine at codon 45 of the MCCC1 protein (p.Thr45Ile). The threonine residue is weakly conserved and there is a moderate physicochemical difference between threonine and isoleucine. In summary, the available evidence is currently insufficient to determine the role of this variant in disease. Therefore, it has been classified as a Variant of Uncertain Significance. Algorithms developed to predict the effect of missense changes on protein structure and function (SIFT, PolyPhen-2, Align-GVGD) all suggest that this variant is likely to be tolerated, but these predictions have not been confirmed by published functional studies and their clinical significance is uncertain. This variant has not been reported in the literature in individuals with MCCC1-related conditions. This variant is not present in population databases (ExAC no frequency).